The following is an entry in ClinVar:

ClinVar aggregate classification (germline): Pathogenic. Review status: criteria provided, multiple submitters, no conflicts (2 of 4 stars). 5 submissions from 5 submitters: Pathogenic (4). 1 of the submissions does not count toward it. Last evaluated 2024-11-12.

Conditions:
Junctional epidermolysis bullosa. Identifiers: Orphanet 305, MedGen C0079301, MONDO:0017612.
Epidermolysis bullosa, junctional 4, intermediate. Also called: Epidermolysis bullosa, junctional, localisata variant; EPIDERMOLYSIS BULLOSA, JUNCTIONAL 4, NON-HERLITZ TYPE; EPIDERMOLYSIS BULLOSA, GENERALIZED ATROPHIC BENIGN. Identifiers: MedGen C2608084, MONDO:0030750, OMIM 619787.

Allele frequency attached by ClinVar (database versions not stated): gnomAD 0.00001; gnomAD exomes 0.00002; TOPMed 0.00002.
gnomAD v4.1: 17 of 1,611,362 alleles (0.0011%); highest among the groups gnomAD compares: African/African-American, 0.0013%; no homozygotes.

Submissions (5):

Women's Health and Genetics/Laboratory Corporation of America, LabCorp
Classification: Pathogenic for Junctional epidermolysis bullosa. Last evaluated: 2024-11-12. Review status: criteria provided, single submitter. Criteria: LabCorp Variant Classification Summary - May 2015. Collection method: clinical testing. Allele origin: germline.
Comment: Variant summary: COL17A1 c.3676C>T (p.Arg1226X) results in a premature termination codon, predicted to cause absence of the protein due to nonsense mediated decay, which is a commonly known mechanism for disease. The variant allele was found at a frequency of 2.1e-05 in 241540 control chromosomes. c.3676C>T has been reported in the literature in at-least two individuals affected with Junctional Epidermolysis Bullosa (example, Floeth_1999). These data indicate that the variant may be associated with disease. At least one publication reports experimental evidence evaluating an impact on protein function. The most pronounced variant effect results in absense of COL17A1 mRNAs in the keratinocytes from the patient carrying the current variant and another nonsense change (Floeth_1999). The following publication has been ascertained in the context of this evaluation (PMID: 10577906). ClinVar contains an entry for this variant (Variation ID: 17645). Based on the evidence outlined above, the variant was classified as pathogenic.

Labcorp Genetics (formerly Invitae), Labcorp
Classification: Pathogenic. Last evaluated: 2024-03-01. Review status: criteria provided, single submitter. Criteria: Invitae Variant Classification Sherloc (09022015). Collection method: clinical testing. Allele origin: germline.
Comment: This sequence change creates a premature translational stop signal (p.Arg1226*) in the COL17A1 gene. It is expected to result in an absent or disrupted protein product. Loss-of-function variants in COL17A1 are known to be pathogenic (PMID: 16473856, 17344927, 20301304, 21357940, 24319098). This variant is present in population databases (rs121912769, gnomAD 0.02%). This premature translational stop signal has been observed in individual(s) with autosomal dominant amelogenesis imperfecta and autosomal recessive epidermolysis bullosa (PMID: 10577906, 11851893). In at least one individual the data is consistent with being in trans (on the opposite chromosome) from a pathogenic variant. It has also been observed to segregate with disease in related individuals. ClinVar contains an entry for this variant (Variation ID: 17645). For these reasons, this variant has been classified as Pathogenic.

Greenwood Genetic Center Diagnostic Laboratories, Greenwood Genetic Center
Classification: Pathogenic for Epidermolysis bullosa, junctional 4, intermediate. Last evaluated: 2022-08-06. Review status: criteria provided, single submitter. Criteria: ACMG Guidelines, 2015. Collection method: clinical testing. Allele origin: germline. Affected: yes.
Comment: PVS1 PM3_Strong

Biomedical Innovation Departament, CIEMAT
Classification: Pathogenic for Epidermolysis bullosa junctionalis. Last evaluated: 2016-11-23. Review status: criteria provided, single submitter. Criteria: ACMG Guidelines, 2015. Collection method: research. Allele origin: germline. Affected: yes. Observed: 1 variant allele.

OMIM
Classification: Pathogenic for EPIDERMOLYSIS BULLOSA, JUNCTIONAL 4, INTERMEDIATE. Last evaluated: 1999-12-01. Review status: no assertion criteria provided. Collection method: literature only. Allele origin: germline. Not counted in ClinVar's aggregate classification.

Literature cited by the submitters: PubMed 10577906 (cited by 3 submitters); PubMed 16473856 (cited by Labcorp Genetics (formerly Invitae), Labcorp and Biomedical Innovation Departament, CIEMAT); PubMed 17344927 (cited by Labcorp Genetics (formerly Invitae), Labcorp); PubMed 20301304 (cited by Labcorp Genetics (formerly Invitae), Labcorp); PubMed 21357940 (cited by Labcorp Genetics (formerly Invitae), Labcorp); PubMed 24319098 (cited by Labcorp Genetics (formerly Invitae), Labcorp); PubMed 11851893 (cited by Labcorp Genetics (formerly Invitae), Labcorp); PubMed 7550320 (cited by OMIM); PubMed 9199555 (cited by OMIM); PubMed 9740252 (cited by OMIM); PubMed 10398261 (cited by OMIM).

NM_000494.4(COL17A1):c.3676C>T (p.Arg1226Ter)

Gene: COL17A1 (collagen type XVII alpha 1 chain; minus strand). Cytogenetic location: 10q25.1.
Variant type: single nucleotide variant.
Coding change: c.3676C>T on transcript NM_000494.4 (MANE Select); coding-DNA position 3676, C replaced by T.
Protein change: p.Arg1226Ter; replaces arginine 1226 with a stop codon.
Molecular consequence: nonsense.
Genome position (GRCh38, 1-based): chr10:104,034,711, G>A on the plus strand (C>T on the coding strand, the complement: COL17A1 is on the minus strand). VCF-style: chr10-104034711-G-A. GRCh37 (hg19) VCF-style: chr10-105794469-G-A.
Other names: c.3676C>T, p.Arg1226Ter (LRG_1249t1); short protein forms R1226*.
Identifiers: ClinVar variation 17645 (VCV000017645.15), dbSNP rs121912769, ClinGen allele CA127322.